The following is an entry in ClinVar:

ClinVar aggregate classification (germline): Uncertain significance (1 of 4 stars; one submission).

Conditions:
Craniolenticulosutural dysplasia (CLSD). Also called: BOYADJIEV-JABS SYNDROME. Identifiers: Orphanet 50814, MedGen C1843042, MONDO:0011911, OMIM 607812.

Submission:

Labcorp Genetics (formerly Invitae), Labcorp
Classification: Uncertain significance for Craniolenticulosutural dysplasia. Last evaluated: 2022-06-05. Review status: criteria provided, single submitter. Criteria: Invitae Variant Classification Sherloc (09022015). Collection method: clinical testing. Allele origin: germline.
Comment: This sequence change creates a premature translational stop signal (p.Leu60Valfs*2) in the SEC23A gene. It is expected to result in an absent or disrupted protein product. However, the current clinical and genetic evidence is not sufficient to establish whether loss-of-function variants in SEC23A cause disease. This variant is not present in population databases (gnomAD no frequency). This variant has not been reported in the literature in individuals affected with SEC23A-related conditions. ClinVar contains an entry for this variant (Variation ID: 1405338). In summary, the available evidence is currently insufficient to determine the role of this variant in disease. Therefore, it has been classified as a Variant of Uncertain Significance.

NM_006364.4(SEC23A):c.178_179del (p.Leu60fs)

Gene: SEC23A (SEC23 homolog A, COPII component; minus strand). Cytogenetic location: 14q21.1.
Variant type: Deletion.
Coding change: c.178_179del on transcript NM_006364.4 (MANE Select); coding-DNA positions 178 to 179, 2 bases deleted (CT; older notation c.178_179delCT).
Protein change: p.Leu60fs; shifts the reading frame from leucine 60.
Molecular consequence: frameshift variant.
Genome position (GRCh38, 1-based): chr14:39,095,940-39,095,941, AG deleted on the plus strand (CT on the coding strand, the reverse complement: SEC23A is on the minus strand); deleting any 2 consecutive bases within chr14:39,095,940-39,095,942 gives the same sequence; the c. name uses the placement nearest the transcript's 3' end. VCF-style (leftmost placement, unchanged base first): chr14-39095939-CAG-C. GRCh37 (hg19) VCF-style: chr14-39565143-CAG-C.
Other names: short protein forms L60fs.
Identifiers: ClinVar variation 1405338 (VCV001405338.6), dbSNP rs2139298318, ClinGen allele CA2573149932.